The following is an entry in ClinVar:

ClinVar aggregate classification (germline): Uncertain significance (1 of 4 stars; one submission).

Conditions:
Methylmalonic aciduria and homocystinuria type cblD (MAHCD). Also called: METHYLMALONIC ACIDEMIA, cblH TYPE; Methylmalonic aciduria with homocystinuria cblD type. Identifiers: Orphanet 622, Orphanet 79283, MedGen C1848552, MONDO:0010185, OMIM 277410.

Submission:

Labcorp Genetics (formerly Invitae), Labcorp
Classification: Uncertain significance for Methylmalonic aciduria and homocystinuria type cblD. Last evaluated: 2022-05-16. Review status: criteria provided, single submitter. Criteria: Invitae Variant Classification Sherloc (09022015). Collection method: clinical testing. Allele origin: germline.
Comment: This variant is present in population databases (rs779743390, gnomAD 0.002%). In summary, the available evidence is currently insufficient to determine the role of this variant in disease. Therefore, it has been classified as a Variant of Uncertain Significance. Experimental studies and prediction algorithms are not available or were not evaluated, and the functional significance of this variant is currently unknown. This variant has not been reported in the literature in individuals affected with MMADHC-related conditions. This variant, c.575_577del, results in the deletion of 1 amino acid(s) of the MMADHC protein (p.Glu192del), but otherwise preserves the integrity of the reading frame.

NM_015702.3(MMADHC):c.572AAG[1] (p.Glu192del)

Gene: MMADHC (metabolism of cobalamin associated D; minus strand). Cytogenetic location: 2q23.2.
Variant type: Microsatellite.
Coding change: c.572AAG[1] on transcript NM_015702.3 (MANE Select); one copy of the 3-base unit AAG starting at c.572; the reference has two copies in a row; one copy, 3 bases deleted.
Protein change: p.Glu192del; deletes glutamic acid 192.
Molecular consequence: inframe deletion.
Genome position (GRCh38, 1-based): chr2:149,575,743-149,575,745, CTT deleted on the plus strand (AAG on the coding strand, the reverse complement: MMADHC is on the minus strand); deleting any 3 consecutive bases within chr2:149,575,743-149,575,749 gives the same sequence; the position shown is the placement nearest the transcript's 3' end. VCF-style (leftmost placement, unchanged base first): chr2-149575742-ACTT-A. GRCh37 (hg19) VCF-style: chr2-150432256-ACTT-A.
Other names: short protein forms E192del.
Identifiers: ClinVar variation 2427860 (VCV002427860.4), dbSNP rs779743390, ClinGen allele CA1902351.